The following is an entry in ClinVar:

NM_031885.5(BBS2):c.1225+6A>G

Gene: BBS2 (Bardet-Biedl syndrome 2; minus strand). Cytogenetic location: 16q13.
Variant type: single nucleotide variant.
Coding change: c.1225+6A>G on transcript NM_031885.5 (MANE Select); 6 bases into the intron after coding-DNA position 1225, A replaced by G.
Molecular consequence: intron variant.
Genome position (GRCh38, 1-based): chr16:56,501,347, T>C on the plus strand (A>G on the coding strand, the complement: BBS2 is on the minus strand). VCF-style: chr16-56501347-T-C. GRCh37 (hg19) VCF-style: chr16-56535259-T-C.
Other names: c.1225+6A>G (NM_001377456.1).
Identifiers: ClinVar variation 1500259 (VCV001500259.3), dbSNP rs2144145043, ClinGen allele CA2573152438.

ClinVar aggregate classification (germline): Uncertain significance (1 of 4 stars; one submission).

Conditions:
Bardet-Biedl syndrome (BBS). Identifiers: Orphanet 110, MedGen C0752166, MONDO:0015229.

Allele frequency attached by ClinVar (database versions not stated): gnomAD exomes below 0.00001.
gnomAD v4.1: 6 of 1,613,890 alleles (0.00037%); highest among the groups gnomAD compares: Non-Finnish European, 0.00051%; no homozygotes.

Submission:

Labcorp Genetics (formerly Invitae), Labcorp
Classification: Uncertain significance for Bardet-Biedl syndrome. Last evaluated: 2022-07-26. Review status: criteria provided, single submitter. Criteria: Invitae Variant Classification Sherloc (09022015). Collection method: clinical testing. Allele origin: germline.
Comment: This sequence change falls in intron 10 of the BBS2 gene. It does not directly change the encoded amino acid sequence of the BBS2 protein. It affects a nucleotide within the consensus splice site. This variant is not present in population databases (gnomAD no frequency). This variant has not been reported in the literature in individuals affected with BBS2-related conditions. ClinVar contains an entry for this variant (Variation ID: 1500259). Variants that disrupt the consensus splice site are a relatively common cause of aberrant splicing (PMID: 17576681, 9536098). Algorithms developed to predict the effect of sequence changes on RNA splicing suggest that this variant is not likely to affect RNA splicing. In summary, the available evidence is currently insufficient to determine the role of this variant in disease. Therefore, it has been classified as a Variant of Uncertain Significance.

Literature cited by the submitters: PubMed 17576681; PubMed 9536098.